The following is an entry in ClinVar:

ClinVar aggregate classification (germline): Conflicting classifications of pathogenicity. Review status: criteria provided, conflicting classifications (1 of 4 stars). 2 submissions from 2 submitters: Uncertain significance (1); Likely benign (1). Last evaluated 2024-10-16.

Allele frequency attached by ClinVar (database versions not stated): ExAC 0.00001; gnomAD 0.00001; gnomAD exomes 0.00001.
gnomAD v4.1: 17 of 1,613,600 alleles (0.0011%); highest among the groups gnomAD compares: East Asian, 0.013%; no homozygotes.

Submissions (2):

Labcorp Genetics (formerly Invitae), Labcorp
Classification: Uncertain significance. Last evaluated: 2024-10-16. Review status: criteria provided, single submitter. Criteria: Invitae Variant Classification Sherloc (09022015). Collection method: clinical testing. Allele origin: germline.
Comment: This sequence change replaces serine, which is neutral and polar, with leucine, which is neutral and non-polar, at codon 1253 of the WDR62 protein (p.Ser1253Leu). This variant is present in population databases (rs778175384, gnomAD 0.006%). This variant has not been reported in the literature in individuals affected with WDR62-related conditions. Invitae Evidence Modeling of protein sequence and biophysical properties (such as structural, functional, and spatial information, amino acid conservation, physicochemical variation, residue mobility, and thermodynamic stability) indicates that this missense variant is not expected to disrupt WDR62 protein function with a negative predictive value of 80%. In summary, the available evidence is currently insufficient to determine the role of this variant in disease. Therefore, it has been classified as a Variant of Uncertain Significance.

Blueprint Genetics
Classification: Likely benign. Last evaluated: 2024-09-11. Review status: criteria provided, single submitter. Criteria: ACMG Guidelines, 2015. Collection method: clinical testing. Allele origin: germline.

NM_001083961.2(WDR62):c.3758C>T (p.Ser1253Leu)

Gene: WDR62 (WD repeat domain 62; plus strand). Cytogenetic location: 19q13.12.
Variant type: single nucleotide variant.
Coding change: c.3758C>T on transcript NM_001083961.2 (MANE Select); coding-DNA position 3758, C replaced by T.
Protein change: p.Ser1253Leu; replaces serine 1253 with leucine.
Molecular consequence: missense variant.
Genome position (GRCh38, 1-based): chr19:36,103,586, C>T. VCF-style: chr19-36103586-C-T. GRCh37 (hg19) VCF-style: chr19-36594488-C-T.
Other names: c.3743C>T, p.Ser1248Leu (NM_001411145.1, NM_173636.5); c.3509C>T, p.Ser1170Leu (NM_001411146.1); c.3407C>T, p.Ser1136Leu (NM_001411147.1); short protein forms S1248L, S1253L, S1170L, S1136L.
Identifiers: ClinVar variation 2796052 (VCV002796052.3), dbSNP rs778175384, ClinGen allele CA9396383.